The following is an entry in ClinVar:

ClinVar aggregate classification (germline): Conflicting classifications of pathogenicity. Review status: criteria provided, conflicting classifications (1 of 4 stars). 3 submissions from 3 submitters: Uncertain significance (1); Likely benign (1). 1 of the submissions does not count toward it. Last evaluated 2025-04-28.

Conditions:
SLC10A2-related disorder. Also called: SLC10A2-related condition.

Allele frequency attached by ClinVar (database versions not stated): ExAC 0.00002; ESP Exome Variant Server 0.00008; gnomAD 0.00007; TOPMed 0.00007; gnomAD exomes 0.00003.
gnomAD v4.1: 22 of 1,613,712 alleles (0.0014%); highest among the groups gnomAD compares: African/African-American, 0.012%; no homozygotes.

Submissions (3):

Labcorp Genetics (formerly Invitae), Labcorp
Classification: Likely benign. Last evaluated: 2025-04-28. Review status: criteria provided, single submitter. Criteria: Invitae Variant Classification Sherloc (09022015). Collection method: clinical testing. Allele origin: germline.

Eurofins Ntd Llc (ga)
Classification: Uncertain significance. Last evaluated: 2018-07-06. Review status: criteria provided, single submitter. Criteria: EGL ClinVar v180209 classification definitions. Collection method: clinical testing. Allele origin: germline. Observed: 1 variant allele, 1 heterozygote.

PreventionGenetics, part of Exact Sciences
Classification: Likely benign for SLC10A2-related condition. Last evaluated: 2022-05-25. Review status: no assertion criteria provided. Collection method: clinical testing. Allele origin: germline. Not counted in ClinVar's aggregate classification.
Comment: This variant is classified as likely benign based on ACMG/AMP sequence variant interpretation guidelines (Richards et al. 2015 PMID: 25741868, with internal and published modifications).

NM_000452.3(SLC10A2):c.870G>A (p.Pro290=)

Gene: SLC10A2 (solute carrier family 10 member 2; minus strand). Cytogenetic location: 13q33.1.
Variant type: single nucleotide variant.
Coding change: c.870G>A on transcript NM_000452.3 (MANE Select); coding-DNA position 870, G replaced by A.
Protein change: p.Pro290=; no amino-acid change (proline 290 retained).
Molecular consequence: synonymous variant.
Genome position (GRCh38, 1-based): chr13:103,049,338, C>T on the plus strand (G>A on the coding strand, the complement: SLC10A2 is on the minus strand). VCF-style: chr13-103049338-C-T. GRCh37 (hg19) VCF-style: chr13-103701688-C-T.
Other names: c.870G>A (NM_000452.2).
Identifiers: ClinVar variation 597941 (VCV000597941.8), dbSNP rs370310605, ClinGen allele CA7042012.